The following is an entry in ClinVar:

ClinVar aggregate classification (germline): Uncertain significance (1 of 4 stars; one submission).

Allele frequency attached by ClinVar (database versions not stated): gnomAD exomes below 0.00001.
gnomAD v4.1: 1 of 1,551,630 alleles (0.000064%); highest among the groups gnomAD compares: East Asian, 0.0024%; no homozygotes.

Submission:

Labcorp Genetics (formerly Invitae), Labcorp
Classification: Uncertain significance. Last evaluated: 2022-09-05. Review status: criteria provided, single submitter. Criteria: Invitae Variant Classification Sherloc (09022015). Collection method: clinical testing. Allele origin: germline.
Comment: This sequence change replaces aspartic acid, which is acidic and polar, with asparagine, which is neutral and polar, at codon 1019 of the ZSWIM6 protein (p.Asp1019Asn). This variant is present in population databases (no rsID available, gnomAD 0.01%). This variant has not been reported in the literature in individuals affected with ZSWIM6-related conditions. Algorithms developed to predict the effect of missense changes on protein structure and function are either unavailable or do not agree on the potential impact of this missense change (SIFT: "Tolerated"; PolyPhen-2: "Probably Damaging"; Align-GVGD: "Class C0"). In summary, the available evidence is currently insufficient to determine the role of this variant in disease. Therefore, it has been classified as a Variant of Uncertain Significance.

NM_020928.2(ZSWIM6):c.3055G>A (p.Asp1019Asn)

Gene: ZSWIM6 (zinc finger SWIM-type containing 6; plus strand). Cytogenetic location: 5q12.1.
Variant type: single nucleotide variant.
Coding change: c.3055G>A on transcript NM_020928.2 (MANE Select); coding-DNA position 3055, G replaced by A.
Protein change: p.Asp1019Asn; replaces aspartic acid 1019 with asparagine.
Molecular consequence: missense variant.
Genome position (GRCh38, 1-based): chr5:61,543,724, G>A. VCF-style: chr5-61543724-G-A. GRCh37 (hg19) VCF-style: chr5-60839551-G-A.
Other names: short protein forms D1019N.
Identifiers: ClinVar variation 1718868 (VCV001718868.5), dbSNP rs1236517352, ClinGen allele CA359946757.